The following is an entry in ClinVar:

NM_015046.7(SETX):c.7682C>T (p.Ser2561Leu)

Gene: SETX (senataxin; minus strand). Cytogenetic location: 9q34.13.
Variant type: single nucleotide variant.
Coding change: c.7682C>T on transcript NM_015046.7 (MANE Select); coding-DNA position 7682, C replaced by T.
Protein change: p.Ser2561Leu; replaces serine 2561 with leucine.
Molecular consequence: missense variant.
Genome position (GRCh38, 1-based): chr9:132,264,591, G>A on the plus strand (C>T on the coding strand, the complement: SETX is on the minus strand). VCF-style: chr9-132264591-G-A. GRCh37 (hg19) VCF-style: chr9-135139978-G-A.
Other names: c.7682C>T, p.Ser2561Leu (NM_001351527.2); c.7769C>T, p.Ser2590Leu (NM_001351528.2); short protein forms S2561L, S2590L.
Identifiers: ClinVar variation 1056497 (VCV001056497.15), dbSNP rs147705644, ClinGen allele CA5296357.

ClinVar aggregate classification (germline): Conflicting classifications of pathogenicity. Review status: criteria provided, conflicting classifications (1 of 4 stars). 5 submissions from 5 submitters: Uncertain significance (3); Benign (1); Likely benign (1). Last evaluated 2025-08-19.

Conditions:
SETX-related disorder. Also called: SETX-related disorders; SETX-related condition. Identifiers: MedGen CN239403.
Inborn genetic diseases. Identifiers: MedGen C0950123, MeSH D030342.
Amyotrophic lateral sclerosis type 4 (ALS4). Also called: AMYOTROPHIC LATERAL SCLEROSIS 4, JUVENILE; NEURONOPATHY, DISTAL HEREDITARY MOTOR, WITH PYRAMIDAL FEATURES. Identifiers: Orphanet 357043, MedGen C1865409, MONDO:0011223, OMIM 602433.
Spinocerebellar ataxia, autosomal recessive, with axonal neuropathy 2 (SCAN2). Also called: Ataxia with Oculomotor Apraxia; Ataxia with Oculomotor Apraxia Type 2; ATAXIA-OCULOMOTOR APRAXIA 2; Ataxia-ocular apraxia-2. Identifiers: Orphanet 64753, MedGen C1853761, MONDO:0018996, OMIM 606002.

Allele frequency attached by ClinVar (database versions not stated): gnomAD exomes 0.00001 and 0.00002; ExAC 0.00002; TOPMed 0.00004; gnomAD 0.00007 and 0.00008; ESP Exome Variant Server 0.00008.
gnomAD v4.1: 33 of 1,614,170 alleles (0.002%); highest among the groups gnomAD compares: African/African-American, 0.008%; no homozygotes.

Submissions (5):

GeneDx
Classification: Uncertain significance. Last evaluated: 2025-08-19. Review status: criteria provided, single submitter. Criteria: GeneDx Variant Classification Process June 2021. Collection method: clinical testing. Allele origin: germline.
Comment: Identified in two patients with adult-onset ALS, one of whom also harbored a variant in the ALS2 gene (PMID: 23881933); Not observed at significant frequency in large population cohorts (gnomAD); In silico analysis suggests that this missense variant does not alter protein structure/function; This variant is associated with the following publications: (PMID: 28413711, Kitao R. 2020, 23881933)

PreventionGenetics, part of Exact Sciences
Classification: Uncertain significance for SETX-related condition. Last evaluated: 2025-04-03. Review status: criteria provided, single submitter. Criteria: ACMG Guidelines, 2015. Collection method: clinical testing. Allele origin: germline.
Comment: The SETX c.7682C>T variant is predicted to result in the amino acid substitution p.Ser2561Leu. This variant was reported in two individuals with amyotrophic lateral sclerosis with one also harboring a missense variant in ALS2 (Table S5. Kenna et al. 2013. PubMed ID: 23881933). This variant is reported in 0.0040% of alleles in individuals of African descent in gnomAD. At this time, the clinical significance of this variant is uncertain due to the absence of conclusive functional and genetic evidence.

Labcorp Genetics (formerly Invitae), Labcorp
Classification: Benign for Amyotrophic lateral sclerosis type 4; Spinocerebellar ataxia, autosomal recessive, with axonal neuropathy 2. Last evaluated: 2023-07-07. Review status: criteria provided, single submitter. Criteria: Invitae Variant Classification Sherloc (09022015). Collection method: clinical testing. Allele origin: germline.

Ambry Genetics
Classification: Likely benign for Inborn genetic diseases. Last evaluated: 2021-05-24. Review status: criteria provided, single submitter. Criteria: Ambry Variant Classification Scheme 2023. Collection method: clinical testing. Allele origin: germline.

Revvity Omics, Revvity
Classification: Uncertain significance. Last evaluated: 2020-12-11. Review status: criteria provided, single submitter. Criteria: ACMG Guidelines, 2015. Collection method: clinical testing. Allele origin: germline.